The following is an entry in ClinVar:

ClinVar aggregate classification (germline): Uncertain significance (1 of 4 stars; one submission).

Conditions:
Landau-Kleffner syndrome (FESD). Also called: APHASIA, ACQUIRED, WITH EPILEPSY; EPILEPSY, FOCAL, WITH SPEECH DISORDER AND WITH OR WITHOUT MENTAL RETARDATION. Identifiers: Orphanet 1945, Orphanet 725, Orphanet 98818, MedGen C0282512, MONDO:0009509, OMIM 245570.

Submission:

Labcorp Genetics (formerly Invitae), Labcorp
Classification: Uncertain significance for Landau-Kleffner syndrome. Last evaluated: 2020-02-02. Review status: criteria provided, single submitter. Criteria: Invitae Variant Classification Sherloc (09022015). Collection method: clinical testing. Allele origin: germline.
Comment: In summary, the available evidence is currently insufficient to determine the role of this variant in disease. Therefore, it has been classified as a Variant of Uncertain Significance. Algorithms developed to predict the effect of missense changes on protein structure and function are either unavailable or do not agree on the potential impact of this missense change (SIFT: "Tolerated"; PolyPhen-2: "Possibly Damaging"; Align-GVGD: "Class C0"). This variant has not been reported in the literature in individuals with GRIN2A-related conditions. This variant is not present in population databases (ExAC no frequency). This sequence change replaces asparagine with serine at codon 1085 of the GRIN2A protein (p.Asn1085Ser). The asparagine residue is moderately conserved and there is a small physicochemical difference between asparagine and serine.

NM_001134407.3(GRIN2A):c.3254A>G (p.Asn1085Ser)

Gene: GRIN2A (glutamate ionotropic receptor NMDA type subunit 2A; minus strand). Cytogenetic location: 16p13.2.
Variant type: single nucleotide variant.
Coding change: c.3254A>G on transcript NM_001134407.3 (MANE Select); coding-DNA position 3254, A replaced by G.
Protein change: p.Asn1085Ser; replaces asparagine 1085 with serine.
Molecular consequence: missense variant.
Genome position (GRCh38, 1-based): chr16:9,764,290, T>C on the plus strand (A>G on the coding strand, the complement: GRIN2A is on the minus strand). VCF-style: chr16-9764290-T-C. GRCh37 (hg19) VCF-style: chr16-9858147-T-C.
Other names: c.3254A>G, p.Asn1085Ser (NM_000833.5, NM_001134408.2); short protein forms N1085S.
Identifiers: ClinVar variation 1043181 (VCV001043181.12), dbSNP rs1900765657, ClinGen allele CA394708270.